The following is an entry in ClinVar:

NM_006258.4(PRKG1):c.1187G>C (p.Ser396Thr)

Gene: PRKG1 (protein kinase cGMP-dependent 1; plus strand). Cytogenetic location: 10q21.1.
Variant type: single nucleotide variant.
Coding change: c.1187G>C on transcript NM_006258.4 (MANE Select); coding-DNA position 1187, G replaced by C.
Protein change: p.Ser396Thr; replaces serine 396 with threonine.
Molecular consequence: missense variant. On other transcripts: 5 prime UTR variant (1).
Genome position (GRCh38, 1-based): chr10:52,271,363, G>C. VCF-style: chr10-52271363-G-C. GRCh37 (hg19) VCF-style: chr10-54031123-G-C.
Other names: c.1142G>C, p.Ser381Thr (NM_001098512.3); c.-23G>C (NM_001374781.1); short protein forms S381T, S396T.
Identifiers: ClinVar variation 4144555 (VCV004144555.1).
Genomic context (GRCh38, chr10:52,271,363, plus strand): 5'-TTACAAGTCTATGGGCTTTTTCTTACTCTCTTCTCTCTTTCTTTAAGGTCCAGTTGAAAA[G>C]TGAAGAATCCAAAACGTTTGCAATGAAGATTCTCAAGAAACGTCACATTGTGGACACAAG-3'
Protein context (NP_006249.1, residues 386-406): FGRVELVQLK[Ser396Thr]EESKTFAMKI

ClinVar aggregate classification (germline): Uncertain significance (1 of 4 stars; one submission).

Conditions:
Familial thoracic aortic aneurysm and aortic dissection (TAAD). Also called: Thoracic aortic aneurysms and dissections. Identifiers: Orphanet 91387, MedGen C4707243, MONDO:0019625.

gnomAD v4.1: 1 of 1,612,494 alleles (0.000062%); highest among the groups gnomAD compares: South Asian, 0.0011%; no homozygotes.

Submission:

Ambry Genetics
Classification: Uncertain significance for Familial thoracic aortic aneurysm and aortic dissection. Last evaluated: 2025-09-07. Review status: criteria provided, single submitter. Criteria: Ambry Variant Classification Scheme 2023. Collection method: clinical testing. Allele origin: germline.
Comment: The p.S396T variant (also known as c.1187G>C), located in coding exon 11 of the PRKG1 gene, results from a G to C substitution at nucleotide position 1187. The serine at codon 396 is replaced by threonine, an amino acid with similar properties. This amino acid position is conserved. In addition, this alteration is predicted to be tolerated by in silico analysis. Based on the available evidence, the clinical significance of this variant remains unclear.